The following is an entry in ClinVar:

ClinVar aggregate classification (germline): Conflicting classifications of pathogenicity. Review status: criteria provided, conflicting classifications (1 of 4 stars). 5 submissions from 5 submitters: Uncertain significance (1); Benign (1); Likely benign (2). 1 of the submissions does not count toward it. Last evaluated 2026-01-21.

Conditions:
ARHGEF18-related disorder. Also called: ARHGEF18-related condition.
Inborn genetic diseases. Identifiers: MedGen C0950123, MeSH D030342.

Allele frequency attached by ClinVar (database versions not stated): 1000 Genomes Project 0.00120; 1000 Genomes Project 30x 0.00141; TOPMed 0.00322; ESP Exome Variant Server 0.00329; gnomAD 0.00346 and 0.00354; gnomAD exomes 0.00354 and 0.00521; ExAC 0.00557.
gnomAD v4.1: 7,842 of 1,563,946 alleles (0.5%); highest among the groups gnomAD compares: Non-Finnish European, 0.59%; 30 homozygotes.

Submissions (5):

Labcorp Genetics (formerly Invitae), Labcorp
Classification: Benign. Last evaluated: 2026-01-21. Review status: criteria provided, single submitter. Criteria: Invitae Variant Classification Sherloc (09022015). Collection method: clinical testing. Allele origin: germline.

Ambry Genetics
Classification: Uncertain significance for Inborn genetic diseases. Last evaluated: 2025-04-08. Review status: criteria provided, single submitter. Criteria: Ambry Variant Classification Scheme 2023. Collection method: clinical testing. Allele origin: germline.

Blueprint Genetics
Classification: Likely benign. Last evaluated: 2024-11-21. Review status: criteria provided, single submitter. Criteria: ACMG Guidelines, 2015. Collection method: clinical testing. Allele origin: germline.

CeGaT Center for Human Genetics Tuebingen
Classification: Likely benign. Last evaluated: 2023-05-01. Review status: criteria provided, single submitter. Criteria: CeGaT Center For Human Genetics Tuebingen Variant Classification Criteria Version 2. Collection method: clinical testing. Allele origin: germline. Affected: yes. Observed: 1 variant allele.
Comment: ARHGEF18: BP4, BS2

PreventionGenetics, part of Exact Sciences
Classification: Likely benign for ARHGEF18-related condition. Last evaluated: 2019-08-26. Review status: no assertion criteria provided. Collection method: clinical testing. Allele origin: germline. Not counted in ClinVar's aggregate classification.
Comment: This variant is classified as likely benign based on ACMG/AMP sequence variant interpretation guidelines (Richards et al. 2015 PMID: 25741868, with internal and published modifications).

NM_001367823.1(ARHGEF18):c.968-67C>T

Gene: ARHGEF18 (Rho/Rac guanine nucleotide exchange factor 18; plus strand). Cytogenetic location: 19p13.2.
Variant type: single nucleotide variant.
Coding change: c.968-67C>T on transcript NM_001367823.1 (MANE Select); 67 bases into the intron before coding-DNA position 968, C replaced by T.
Molecular consequence: intron variant. On other transcripts: missense variant (1), 5 prime UTR variant (1).
Genome position (GRCh38, 1-based): chr19:7,440,277, C>T. VCF-style: chr19-7440277-C-T. GRCh37 (hg19) VCF-style: chr19-7505163-C-T.
Other names: c.175C>T, p.Arg59Cys (NM_001130955.2); c.-138C>T (NM_001367824.1); c.-71-67C>T (NM_015318.4); short protein forms R59C.
Identifiers: ClinVar variation 771923 (VCV000771923.36), dbSNP rs199567237, ClinGen allele CA9136292.
Genomic context (GRCh38, chr19:7,440,277, plus strand): 5'-AACGAGCTGCTGACCTCCAAGATCCTGTCTGTGCTGCGGCCGCAGTCGGAGCGGGGCTTC[C>T]GCGCCGGGGACCTCCGCTACCCGACCCACTTTCTCAGCACCAACTCTGTCCTTGCCTCTG-3'